The following is an entry in ClinVar:

ClinVar aggregate classification (germline): Uncertain significance. Review status: criteria provided, multiple submitters, no conflicts (2 of 4 stars). 3 submissions from 3 submitters: Uncertain significance (3). Last evaluated 2026-03-05.

Conditions:
TTN-related disorder. Also called: TTN-related condition; TTN-related disease; TTN-related disorders.

Allele frequency attached by ClinVar (database versions not stated): gnomAD exomes 0.00002 and 0.00003; ExAC 0.00003; gnomAD 0.00003; TOPMed 0.00004; ESP Exome Variant Server 0.00008.

Submissions (3):

PreventionGenetics, part of Exact Sciences
Classification: Uncertain significance for TTN-related condition. Last evaluated: 2026-03-05. Review status: criteria provided, single submitter. Criteria: ACMG Guidelines, 2015. Collection method: clinical testing. Allele origin: germline.
Comment: The TTN c.7159G>A variant is predicted to result in the amino acid substitution p.Val2387Ile. This variant was reported in an individual with dilated cardiomyopathy (Supplementary File 2 in van Lint et al. 2019. PubMed ID: 30847666). This variant is reported in 0.020% of alleles in individuals of Ashkenazi Jewish descent in gnomAD. At this time, the clinical significance of this variant is uncertain due to the absence of conclusive functional and genetic evidence.

Revvity Omics, Revvity
Classification: Uncertain significance. Last evaluated: 2021-12-07. Review status: criteria provided, single submitter. Criteria: ACMG Guidelines, 2015. Collection method: clinical testing. Allele origin: germline.

Eurofins Ntd Llc (ga)
Classification: Uncertain significance. Last evaluated: 2017-01-16. Review status: criteria provided, single submitter. Criteria: EGL Classification Definitions 2015. Collection method: clinical testing. Allele origin: germline. Observed: 3 variant alleles, 3 heterozygotes.

NM_001267550.2(TTN):c.7159G>A (p.Val2387Ile)

Genes: TTN (titin; minus strand), LOC126806433 (BRD4-independent group 4 enhancer GRCh37_chr2:179638309-179639508; plus strand). Cytogenetic location: 2q31.2.
Variant type: single nucleotide variant.
Coding change: c.7159G>A on transcript NM_001267550.2 (MANE Select); coding-DNA position 7159, G replaced by A.
Protein change: p.Val2387Ile; replaces valine 2387 with isoleucine.
Molecular consequence: missense variant.
Genome position (GRCh38, 1-based): chr2:178,774,009, C>T on the plus strand (G>A on the coding strand, the complement: TTN is on the minus strand). VCF-style: chr2-178774009-C-T. GRCh37 (hg19) VCF-style: chr2-179638736-C-T.
Other names: c.7159G>A, p.Val2387Ile (NM_001256850.1, NM_133378.4, NM_133379.5); c.7021G>A, p.Val2341Ile (NM_003319.4, NM_133432.3, NM_133437.4); short protein forms V2387I, V2341I.
Identifiers: ClinVar variation 499646 (VCV000499646.9), dbSNP rs377691143, ClinGen allele CA2004885.